The following is an entry in ClinVar:

ClinVar aggregate classification (germline): Conflicting classifications of pathogenicity. Review status: criteria provided, conflicting classifications (1 of 4 stars). 5 submissions from 4 submitters: Uncertain significance (4); Likely benign (1). Last evaluated 2024-10-24.

Conditions:
Glycogen storage disease, type IV (GSD4). Also called: AMYLOPECTINOSIS; ANDERSEN DISEASE; BRANCHER DEFICIENCY; CIRRHOSIS, FAMILIAL, WITH DEPOSITION OF ABNORMAL GLYCOGEN; GBE1 DEFICIENCY; GLYCOGEN BRANCHING ENZYME DEFICIENCY. Identifiers: Orphanet 367, MedGen C0017923, MONDO:0009292, OMIM 232500.
Adult polyglucosan body disease (APBN). Also called: GBE1-Adult Polyglucosan Body Disease; POLYGLUCOSAN BODY DISEASE, ADULT FORM. Identifiers: Orphanet 206583, MedGen C1849722, MONDO:0009897, OMIM 263570.
Glycogen storage disease IV, classic hepatic. Also called: GSD IV, CLASSIC HEPATIC. Identifiers: MedGen C1856301.

Allele frequency attached by ClinVar (database versions not stated): ExAC 0.00006; ESP Exome Variant Server 0.00008; gnomAD exomes 0.00008; gnomAD 0.00014; TOPMed 0.00015.
gnomAD v4.1: 545 of 1,584,896 alleles (0.034%); highest among the groups gnomAD compares: Non-Finnish European, 0.046%; 2 homozygotes.

Submissions (6):

GeneDx
Classification: Uncertain significance. Last evaluated: 2024-10-24. Review status: criteria provided, single submitter. Criteria: GeneDx Variant Classification Process June 2021. Collection method: clinical testing. Allele origin: germline. Affected: yes.
Comment: Has not been previously published as pathogenic or benign to our knowledge; In silico analysis suggests this variant may impact gene splicing. In the absence of RNA/functional studies, the actual effect of this sequence change is unknown.

Blueprint Genetics
Classification: Likely benign. Last evaluated: 2024-06-11. Review status: criteria provided, single submitter. Criteria: ACMG Guidelines, 2015. Collection method: clinical testing. Allele origin: germline.

Labcorp Genetics (formerly Invitae), Labcorp
Classification: Uncertain significance for Glycogen storage disease, type IV; Glycogen storage disease IV, classic hepatic. Last evaluated: 2022-10-31. Review status: criteria provided, single submitter. Criteria: Invitae Variant Classification Sherloc (09022015). Collection method: clinical testing. Allele origin: germline.
Comment: This sequence change affects codon 601 of the GBE1 mRNA. It is a 'silent' change, meaning that it does not change the encoded amino acid sequence of the GBE1 protein. This variant also falls at the last nucleotide of exon 13, which is part of the consensus splice site for this exon. This variant is present in population databases (rs368793136, gnomAD 0.02%). This variant has not been reported in the literature in individuals affected with GBE1-related conditions. ClinVar contains an entry for this variant (Variation ID: 346786). Variants that disrupt the consensus splice site are a relatively common cause of aberrant splicing (PMID: 17576681, 9536098). Algorithms developed to predict the effect of sequence changes on RNA splicing suggest that this variant may create or strengthen a splice site. In summary, the available evidence is currently insufficient to determine the role of this variant in disease. Therefore, it has been classified as a Variant of Uncertain Significance.

Illumina Laboratory Services, Illumina
Classification: Uncertain significance for Glycogen storage disease, type IV. Last evaluated: 2018-01-12. Review status: criteria provided, single submitter. Criteria: ICSL Variant Classification Criteria 13 December 2019. Collection method: clinical testing. Allele origin: germline.

Illumina Laboratory Services, Illumina
Classification: Uncertain significance for Adult polyglucosan body disease. Last evaluated: 2018-01-12. Review status: criteria provided, single submitter. Criteria: ICSL Variant Classification Criteria 13 December 2019. Collection method: clinical testing. Allele origin: germline.

Dr. Peter K. Rogan Lab, Western University
No classification provided (evidence only). Condition: Familial pancreatic carcinoma. Review status: no classification provided. Collection method: in vitro. Allele origin: not applicable. Functional consequence: skipped exon. Not counted in ClinVar's aggregate classification.

Literature cited by the submitters: PubMed 17576681 (cited by Labcorp Genetics (formerly Invitae), Labcorp); PubMed 9536098 (cited by Labcorp Genetics (formerly Invitae), Labcorp).

NM_000158.4(GBE1):c.1803G>A (p.Gln601=)

Gene: GBE1 (1,4-alpha-glucan branching enzyme 1; minus strand). Cytogenetic location: 3p12.2.
Variant type: single nucleotide variant.
Coding change: c.1803G>A on transcript NM_000158.4 (MANE Select); coding-DNA position 1803, G replaced by A.
Protein change: p.Gln601=; no amino-acid change (glutamine 601 retained).
Molecular consequence: synonymous variant.
Genome position (GRCh38, 1-based): chr3:81,536,911, C>T on the plus strand (G>A on the coding strand, the complement: GBE1 is on the minus strand). VCF-style: chr3-81536911-C-T. GRCh37 (hg19) VCF-style: chr3-81586062-C-T.
Identifiers: ClinVar variation 346786 (VCV000346786.9), dbSNP rs368793136, ClinGen allele CA2499566.